The following is an entry in ClinVar:

NM_138426.4(GLCCI1):c.1107T>C (p.Pro369=)

Gene: GLCCI1 (glucocorticoid induced 1; plus strand). Cytogenetic location: 7p21.3.
Variant type: single nucleotide variant.
Coding change: c.1107T>C on transcript NM_138426.4 (MANE Select); coding-DNA position 1107, T replaced by C.
Protein change: p.Pro369=; no amino-acid change (proline 369 retained).
Molecular consequence: synonymous variant.
Genome position (GRCh38, 1-based): chr7:8,071,061, T>C. VCF-style: chr7-8071061-T-C. GRCh37 (hg19) VCF-style: chr7-8110691-T-C.
Identifiers: ClinVar variation 4281258 (VCV004281258.7).

ClinVar aggregate classification (germline): Likely benign (1 of 4 stars; one submission).

Submission:

CeGaT Center for Human Genetics Tuebingen
Classification: Likely benign. Last evaluated: 2025-09-01. Review status: criteria provided, single submitter. Criteria: CeGaT Center For Human Genetics Tuebingen Variant Classification Criteria Version 2. Collection method: clinical testing. Allele origin: germline. Affected: yes. Observed: 1 variant allele.
Comment: GLCCI1: PM2:Supporting, BP4, BP7